The following is an entry in ClinVar:

ClinVar aggregate classification (germline): Uncertain significance. Review status: criteria provided, multiple submitters, no conflicts (2 of 4 stars). 2 submissions from 2 submitters: Uncertain significance (2). Last evaluated 2026-01-05.

Conditions:
Arrhythmogenic right ventricular cardiomyopathy (ARVD). Also called: Cardiomyopathy, ARVC; Arrhythmogenic right ventricular dysplasia; Arrhythmogenic cardiomyopathy; Arrhythmogenic Right Ventricular Cardiomyopathy (ARVC). Identifiers: Orphanet 247, MedGen C0349788, MeSH D019571, MONDO:0016587. Disease mechanism: loss of function. Inheritance: Various modes of inheritance.

Submissions (2):

GeneDx
Classification: Uncertain significance. Last evaluated: 2026-01-05. Review status: criteria provided, single submitter. Criteria: GeneDx Variant Classification Process June 2021. Collection method: clinical testing. Allele origin: germline.
Comment: Not observed at significant frequency in large population cohorts (gnomAD); In silico analysis suggests that this missense variant does not alter protein structure/function; Has not been previously published as pathogenic or benign to our knowledge

All of Us Research Program, National Institutes of Health
Classification: Uncertain significance for Arrhythmogenic right ventricular cardiomyopathy. Last evaluated: 2023-04-03. Review status: criteria provided, single submitter. Criteria: ACMG Guidelines, 2015. Collection method: clinical testing. Allele origin: germline. Inheritance: Autosomal dominant inheritance. Observed: 1 variant allele, 1 heterozygote.
Comment: This missense variant replaces leucine with valine at codon 1057 of the DSG2 protein. Computational prediction suggests that this variant may not impact protein structure and function (internally defined REVEL score threshold <= 0.5, PMID: 27666373). To our knowledge, functional studies have not been reported for this variant. This variant has not been reported in individuals affected with DSG2-related disorders in the literature. This variant has not been identified in the general population by the Genome Aggregation Database (gnomAD). The available evidence is insufficient to determine the role of this variant in disease conclusively. Therefore, this variant is classified as a Variant of Uncertain Significance.

This study involves interpretation of variants in research participants for the purpose of population health screening. Participant phenotype was not available at the time of variant classification. Additional details can be found in publication PMID: 35346344, PMCID: PMC8962531

NM_001943.5(DSG2):c.3169C>G (p.Leu1057Val)

Genes: DSG2 (desmoglein 2; plus strand), DSG2-AS1 (DSG2 antisense RNA 1; minus strand). Cytogenetic location: 18q12.1.
Variant type: single nucleotide variant.
Coding change: c.3169C>G on transcript NM_001943.5 (MANE Select); coding-DNA position 3169, C replaced by G.
Protein change: p.Leu1057Val; replaces leucine 1057 with valine.
Molecular consequence: missense variant.
Genome position (GRCh38, 1-based): chr18:31,546,555, C>G. VCF-style: chr18-31546555-C-G. GRCh37 (hg19) VCF-style: chr18-29126518-C-G.
Other names: short protein forms L1057V.
Identifiers: ClinVar variation 3070113 (VCV003070113.3), dbSNP rs2510922794, ClinGen allele CA402148774.
Genomic context (GRCh38, chr18:31,546,555, plus strand): 5'-AATATAGCAGTAGGACAGAATGTGACAGTGACAGAAAGAGTTCTAGCACCTGCTTCCACT[C>G]TGCAATCCAGTTACCAGATTCCCACTGAAAATTCTATGACGGCTAGGAACACCACGGTGT-3'
Protein context (NP_001934.2, residues 1047-1067): TERVLAPAST[Leu1057Val]QSSYQIPTEN